The following is an entry in ClinVar:

ClinVar aggregate classification (germline): Likely pathogenic (1 of 4 stars; one submission).

Conditions:
Corneal dystrophy-perceptive deafness syndrome (CDPD). Also called: CORNEAL DYSTROPHY AND SENSORINEURAL DEAFNESS; HARBOYAN SYNDROME. Identifiers: Orphanet 1490, MedGen C1857572, MONDO:0009015, OMIM 217400.

Submission:

Natera, Inc.
Classification: Likely pathogenic for Corneal dystrophy-perceptive deafness syndrome. Last evaluated: 2024-05-22. Review status: criteria provided, single submitter. Criteria: Natera Variant Classification Schema (03/2026). Collection method: clinical testing. Allele origin: germline.
Comment: The c.125del variant in SLC4A11 is a frameshift variant predicted to shift the reading frame beginning at codon 42 and leads to a stop codon 74 codons downstream. This variant is expected to result in nonsense mediated decay, truncation, or a dysfunctional protein product. This variant is rare in the general population with a frequency below the threshold expected for the associated phenotype(s). Given the available evidence, this variant is classified as Likely Pathogenic.

NM_001174089.2(SLC4A11):c.77del (p.Phe26fs)

Gene: SLC4A11 (solute carrier family 4 member 11; minus strand). Cytogenetic location: 20p13.
Variant type: Deletion.
Coding change: c.77del on transcript NM_001174089.2 (MANE Select); coding-DNA position 77, one base deleted (T; older notation c.77delT).
Protein change: p.Phe26fs; shifts the reading frame from phenylalanine 26.
Molecular consequence: frameshift variant. On other transcripts: non-coding transcript variant (3).
Genome position (GRCh38, 1-based): chr20:3,237,555, A deleted on the plus strand (T on the coding strand, the reverse complement: SLC4A11 is on the minus strand); the first of 2 consecutive A bases (chr20:3,237,555-3,237,556); deleting either gives the same sequence. VCF-style (leftmost placement, unchanged base first): chr20-3237554-GA-G. GRCh37 (hg19) VCF-style: chr20-3218200-GA-G.
Other names: c.206del, p.Phe69fs (NM_001174090.2, NM_001400280.1); c.77del, p.Phe26fs (NM_001363745.2); c.20del, p.Phe7fs (NM_001400277.1, NM_001400278.1, NM_001400279.1); c.125del, p.Phe42fs (NM_032034.4); short protein forms F26fs, F42fs, F69fs, F7fs.
Identifiers: ClinVar variation 4816299 (VCV004816299.1).